The following is an entry in ClinVar:

ClinVar aggregate classification (germline): Uncertain significance (1 of 4 stars; one submission).

Conditions:
DNMT3A-related disorder. Also called: DNMT3A-related disorders; DNMT3A-related condition.

gnomAD v4.1: 4 of 1,613,386 alleles (0.00025%); highest among the groups gnomAD compares: Non-Finnish European, 0.00034%; no homozygotes.

Submission:

PreventionGenetics, part of Exact Sciences
Classification: Uncertain significance for DNMT3A-related condition. Last evaluated: 2025-05-14. Review status: criteria provided, single submitter. Criteria: ACMG Guidelines, 2015. Collection method: clinical testing. Allele origin: germline.
Comment: The DNMT3A c.2411C>T variant is predicted to result in the amino acid substitution p.Pro804Leu. To our knowledge, this variant has not been reported in the literature or in a large population database, indicating this variant is rare. At this time, the clinical significance of this variant is uncertain due to the absence of conclusive functional and genetic evidence.

NM_022552.5(DNMT3A):c.2411C>T (p.Pro804Leu)

Gene: DNMT3A (DNA methyltransferase 3 alpha; minus strand). Cytogenetic location: 2p23.3.
Variant type: single nucleotide variant.
Coding change: c.2411C>T on transcript NM_022552.5 (MANE Select); coding-DNA position 2411, C replaced by T.
Protein change: p.Pro804Leu; replaces proline 804 with leucine.
Molecular consequence: missense variant. On other transcripts: non-coding transcript variant (1).
Genome position (GRCh38, 1-based): chr2:25,237,003, G>A on the plus strand (C>T on the coding strand, the complement: DNMT3A is on the minus strand). VCF-style: chr2-25237003-G-A. GRCh37 (hg19) VCF-style: chr2-25459872-G-A.
Other names: c.1955C>T, p.Pro652Leu (NM_001320893.1); c.1742C>T, p.Pro581Leu (NM_001375819.1); c.1844C>T, p.Pro615Leu (NM_153759.3); c.2411C>T, p.Pro804Leu (NM_175629.2); short protein forms P615L, P804L, P652L, P581L.
Identifiers: ClinVar variation 4990594 (VCV004990594.1).
Genomic context (GRCh38, chr2:25,237,003, plus strand): 5'-ATCCTGCCATGCTCCAGACACTCCTGCAGCTCCAGCTTATCATTCACAGTGGATGCCAAC[G>A]GCCTAGGAGGCAGAAGAGAGACTGTAACAACAGAAACCTGGATAACAGCGGGAAGGGCCC-3'
Protein context (NP_072046.2, residues 794-814): FWGNLPGMNR[Pro804Leu]LASTVNDKLE